The following is an entry in ClinVar:

NM_000414.4(HSD17B4):c.1262-1G>A

Gene: HSD17B4 (hydroxysteroid 17-beta dehydrogenase 4; plus strand). Cytogenetic location: 5q23.1.
Variant type: single nucleotide variant.
Coding change: c.1262-1G>A on transcript NM_000414.4 (MANE Select); the canonical splice acceptor site of the intron before coding-DNA position 1262, G replaced by A.
Molecular consequence: splice acceptor variant. On other transcripts: intron variant (1).
Genome position (GRCh38, 1-based): chr5:119,506,817, G>A. VCF-style: chr5-119506817-G-A. GRCh37 (hg19) VCF-style: chr5-118842512-G-A.
Other names: c.851-1G>A (NM_001374503.1, NM_001374502.1, NM_001374501.1); c.1337-1G>A (NM_001199291.3); c.935-1G>A (NM_001374499.1); c.821-1G>A (NM_001374500.1); c.842-1G>A (NM_001292028.2); c.1190-1G>A (NM_001292027.2); c.1262-2324G>A (NM_001374498.1); c.1253-1G>A (NM_001374497.1); and 1 more.
Identifiers: ClinVar variation 1510430 (VCV001510430.7), dbSNP rs2126806430, ClinGen allele CA360868492.

ClinVar aggregate classification (germline): Likely pathogenic. Review status: criteria provided, multiple submitters, no conflicts (2 of 4 stars). 2 submissions from 2 submitters: Likely pathogenic (2). Last evaluated 2025-05-19.

Conditions:
Bifunctional peroxisomal enzyme deficiency (DBIF). Also called: DBP DEFICIENCY; D-bifunctional protein deficiency; PBFE DEFICIENCY. Identifiers: Orphanet 300, MedGen C0342870, MONDO:0009855, OMIM 261515. Disease mechanism: loss of function.
Perrault syndrome. Also called: Gonadal dysgenesis with auditory dysfunction, autosomal recessive inheritance. Identifiers: Orphanet 2855, MedGen C0685838, MONDO:0017312.
Perrault syndrome 1 (PRLTS1). Also called: GONADAL DYSGENESIS, XX TYPE, WITH DEAFNESS; OVARIAN DYSGENESIS WITH SENSORINEURAL DEAFNESS. Identifiers: Orphanet 2855, Orphanet 642945, MedGen C4551721, MONDO:0009300, OMIM 233400.

gnomAD v4.1: 1 of 1,551,864 alleles (0.000064%); highest among the groups gnomAD compares: East Asian, 0.0023%; no homozygotes.

Submissions (2):

Labcorp Genetics (formerly Invitae), Labcorp
Classification: Likely pathogenic for Perrault syndrome; Bifunctional peroxisomal enzyme deficiency. Last evaluated: 2025-05-19. Review status: criteria provided, single submitter. Criteria: Invitae Variant Classification Sherloc (09022015). Collection method: clinical testing. Allele origin: germline.
Comment: This sequence change affects an acceptor splice site in intron 14 of the HSD17B4 gene. It is expected to disrupt RNA splicing. Variants that disrupt the donor or acceptor splice site typically lead to a loss of protein function (PMID: 16199547), and loss-of-function variants in HSD17B4 are known to be pathogenic (PMID: 11810648, 16385454, 20673864). This variant is not present in population databases (gnomAD no frequency). This variant has not been reported in the literature in individuals affected with HSD17B4-related conditions. ClinVar contains an entry for this variant (Variation ID: 1510430). Algorithms developed to predict the effect of sequence changes on RNA splicing suggest that this variant may disrupt the consensus splice site. In summary, the currently available evidence indicates that the variant is pathogenic, but additional data are needed to prove that conclusively. Therefore, this variant has been classified as Likely Pathogenic.

Fulgent Genetics
Classification: Likely pathogenic for Perrault syndrome 1; Bifunctional peroxisomal enzyme deficiency. Last evaluated: 2024-01-29. Review status: criteria provided, single submitter. Criteria: ACMG Guidelines, 2015. Collection method: clinical testing. Allele origin: germline.

Literature cited by the submitters: PubMed 16199547 (cited by Labcorp Genetics (formerly Invitae), Labcorp); PubMed 11810648 (cited by Labcorp Genetics (formerly Invitae), Labcorp); PubMed 16385454 (cited by Labcorp Genetics (formerly Invitae), Labcorp); PubMed 20673864 (cited by Labcorp Genetics (formerly Invitae), Labcorp).